The following is an entry in ClinVar:

NM_001083962.2(TCF4):c.370-14T>C

Gene: TCF4 (transcription factor 4; minus strand). Cytogenetic location: 18q21.2.
Variant type: single nucleotide variant.
Coding change: c.370-14T>C on transcript NM_001083962.2 (MANE Select); 14 bases into the intron before coding-DNA position 370, T replaced by C.
Molecular consequence: intron variant.
Genome position (GRCh38, 1-based): chr18:55,351,017, A>G on the plus strand (T>C on the coding strand, the complement: TCF4 is on the minus strand). VCF-style: chr18-55351017-A-G. GRCh37 (hg19) VCF-style: chr18-53018248-A-G.
Other names: c.676-14T>C (NM_001243226.3); c.298-17T>C (NM_001369584.1, NM_001369576.1, NM_001369585.1 and 3 more transcripts); c.298-14T>C (NM_001369577.1, NM_001369582.1, NM_001243227.2 and 9 more transcripts); c.370-14T>C (NM_001369571.1, NM_001369567.1, NM_001243228.2 and 5 more transcripts); c.364-14T>C (NM_001243230.2); c.370-17T>C (NM_001369569.1, NM_001369573.1, NM_001369570.1); c.244-14T>C (NM_001243231.2, NM_001348211.2); c.-18-17T>C (NM_001348212.2); and 2 more.
Identifiers: ClinVar variation 207523 (VCV000207523.11), dbSNP rs796053411, ClinGen allele CA319085.

ClinVar aggregate classification (germline): Benign/Likely benign. Review status: criteria provided, multiple submitters, no conflicts (2 of 4 stars). 3 submissions from 3 submitters: Benign (1); Likely benign (2). Last evaluated 2026-01-01.

Conditions:
Pitt-Hopkins syndrome (PTHS). Also called: ENCEPHALOPATHY, SEVERE EPILEPTIC, WITH AUTONOMIC DYSFUNCTION; MENTAL RETARDATION, SYNDROMAL, WITH INTERMITTENT HYPERVENTILATION. Identifiers: Orphanet 2896, MedGen C1970431, MONDO:0012589, OMIM 610954.

Allele frequency attached by ClinVar (database versions not stated): TOPMed 0.00004; gnomAD exomes 0.00001; gnomAD 0.00006.
gnomAD v4.1: 29 of 1,612,898 alleles (0.0018%); highest among the groups gnomAD compares: Admixed American, 0.013%; no homozygotes.

Submissions (3):

Labcorp Genetics (formerly Invitae), Labcorp
Classification: Likely benign for Pitt-Hopkins syndrome. Last evaluated: 2026-01-01. Review status: criteria provided, single submitter. Criteria: Invitae Variant Classification Sherloc (09022015). Collection method: clinical testing. Allele origin: germline.

Blueprint Genetics
Classification: Likely benign. Last evaluated: 2024-11-04. Review status: criteria provided, single submitter. Criteria: ACMG Guidelines, 2015. Collection method: clinical testing. Allele origin: germline.

GeneDx
Classification: Benign. Last evaluated: 2013-01-22. Review status: criteria provided, single submitter. Criteria: GeneDx Variant Classification (06012015). Collection method: clinical testing. Allele origin: germline. Affected: yes.
Comment: This variant is considered likely benign or benign based on one or more of the following criteria: it is a conservative change, it occurs at a poorly conserved position in the protein, it is predicted to be benign by multiple in silico algorithms, and/or has population frequency not consistent with disease.